The following is an entry in ClinVar:

NM_001018113.3(FANCB):c.1494G>T (p.Lys498Asn)

Gene: FANCB (FA complementation group B; minus strand). Cytogenetic location: Xp22.2.
Variant type: single nucleotide variant.
Coding change: c.1494G>T on transcript NM_001018113.3 (MANE Select); coding-DNA position 1494, G replaced by T.
Protein change: p.Lys498Asn; replaces lysine 498 with asparagine.
Molecular consequence: missense variant.
Genome position (GRCh38, 1-based): chrX:14,850,507, C>A on the plus strand (G>T on the coding strand, the complement: FANCB is on the minus strand). VCF-style: chrX-14850507-C-A. GRCh37 (hg19) VCF-style: chrX-14868629-C-A.
Other names: p.Lys498Asn; c.1494G>T, p.Lys498Asn (NM_001324162.2, NM_152633.4); c.1494G>T (NM_152633.3); short protein forms K498N.
Identifiers: ClinVar variation 368024 (VCV000368024.29), dbSNP rs199510538, ClinGen allele CA10353043.

ClinVar aggregate classification (germline): Conflicting classifications of pathogenicity. Review status: criteria provided, conflicting classifications (1 of 4 stars). 13 submissions from 12 submitters: Uncertain significance (1); Benign (8); Likely benign (2). 2 of the submissions do not count toward it. Last evaluated 2026-01-26.

Conditions:
Fanconi anemia (FA). Also called: Fanconi's anemia. Identifiers: Orphanet 84, MedGen C0015625, MeSH D005199, MONDO:0019391.
Inborn genetic diseases. Identifiers: MedGen C0950123, MeSH D030342.
Fanconi anemia complementation group B (FANCB). Also called: FANCONI PANCYTOPENIA, TYPE 2; FANCB-Related Fanconi Anemia. Identifiers: Orphanet 84, MedGen C1845292, MONDO:0010351, OMIM 300514.
VACTERL association, X-linked, with or without hydrocephalus (VACTERLX). Also called: X-linked VACTERL-H syndrome; VACTERL ASSOCIATION, X-LINKED; VACTERL-H, X-LINKED; VACTERL Association with Hydrocephalus, X-linked. Identifiers: Orphanet 3412, MedGen C2931228, MONDO:0010752, OMIM 314390.

Allele frequency attached by ClinVar (database versions not stated): TOPMed 0.00004; gnomAD 0.00005; ExAC 0.00277; 1000 Genomes Project 30x 0.00416; 1000 Genomes Project 0.00450.
gnomAD v4.1: 1,381 of 1,196,527 alleles (0.12%); highest among the groups gnomAD compares: South Asian, 2.3%; 15 homozygotes.

Submissions (13):

Labcorp Genetics (formerly Invitae), Labcorp
Classification: Benign for Fanconi anemia. Last evaluated: 2026-01-26. Review status: criteria provided, single submitter. Criteria: Invitae Variant Classification Sherloc (09022015). Collection method: clinical testing. Allele origin: germline.

Mayo Clinic Laboratories, Mayo Clinic
Classification: Benign. Last evaluated: 2025-09-16. Review status: criteria provided, single submitter. Criteria: ACMG Guidelines, 2015. Collection method: clinical testing. Allele origin: germline. Observed: 1 variant allele.
Comment: BS1, BS2, BP4_moderate

Blueprint Genetics
Classification: Likely benign. Last evaluated: 2024-11-19. Review status: criteria provided, single submitter. Criteria: ACMG Guidelines, 2015. Collection method: clinical testing. Allele origin: germline.

KCCC/NGS Laboratory, Kuwait Cancer Control Center
Classification: Benign for Fanconi anemia complementation group B. Last evaluated: 2023-07-07. Review status: criteria provided, single submitter. Criteria: ACMG Guidelines, 2015. Collection method: clinical testing. Allele origin: germline. Affected: yes.

Fulgent Genetics
Classification: Likely benign for Fanconi anemia complementation group B; VACTERL association, X-linked, with or without hydrocephalus. Last evaluated: 2021-09-23. Review status: criteria provided, single submitter. Criteria: ACMG Guidelines, 2015. Collection method: clinical testing. Allele origin: unknown.

Sema4
Classification: Benign for Fanconi anemia. Last evaluated: 2020-02-26. Review status: criteria provided, single submitter. Criteria: Sema4 Curation Guidelines. Collection method: curation. Allele origin: germline.

Genetic Services Laboratory, University of Chicago
Classification: Benign. Last evaluated: 2018-04-26. Review status: criteria provided, single submitter. Criteria: ACMG Guidelines, 2015. Collection method: clinical testing. Allele origin: germline. Affected: no.

Illumina Laboratory Services, Illumina
Classification: Benign for Fanconi anemia complementation group B. Last evaluated: 2018-01-13. Review status: criteria provided, single submitter. Criteria: ICSL Variant Classification Criteria 13 December 2019. Collection method: clinical testing. Allele origin: germline.
Comment: This variant was observed in the ICSL laboratory as part of a predisposition screen in an ostensibly healthy population. It had not been previously curated by ICSL or reported in the Human Gene Mutation Database (HGMD: prior to June 1st, 2018), and was therefore a candidate for classification through an automated scoring system. Utilizing variant allele frequency, disease prevalence and penetrance estimates, and inheritance mode, an automated score was calculated to assess if this variant is too frequent to cause the disease. Based on the score and internal cut-off values, a variant classified as benign is not then subjected to further curation. The score for this variant resulted in a classification of benign for this disease.

Illumina Laboratory Services, Illumina
Classification: Benign for VACTERL association with hydrocephaly, X-linked. Last evaluated: 2018-01-13. Review status: criteria provided, single submitter. Criteria: ICSL Variant Classification Criteria 13 December 2019. Collection method: clinical testing. Allele origin: germline.
Comment: the same text as in the submission from Illumina Laboratory Services, Illumina above.

Ambry Genetics
Classification: Uncertain significance for Inborn genetic diseases. Last evaluated: 2014-07-07. Review status: criteria provided, single submitter. Criteria: Ambry Variant Classification Scheme 2023. Collection method: clinical testing. Allele origin: germline.
Comment: The p.K498N variant (also known as c.1494G>T), located in coding exon 5 of the FANCB gene, results from a G to T substitution at nucleotide position 1494. The lysine at codon 498 is replaced by asparagine, an amino acid with similar properties. This variant was previously reported in the SNPDatabase as rs199510538, but a population frequency was unavailable. This variant was not reported in population based cohorts in the following databases: NHLBI Exome Sequencing Project (ESP), and 1000 Genomes Project. In the ESP, this variant was not observed in 6,500 samples with coverage at this position. This amino acid position is not conserved in available vertebrate species. In addition, this alteration is predicted to be possibly damaging and tolerated by PolyPhen and SIFT in silico analyses, respectively. Since supporting evidence for this variant is limited at this time, the clinical significance of this variant remains unclear.

Breakthrough Genomics
Classification: Benign. Review status: criteria provided, single submitter. Criteria: ACMG Guidelines, 2015. Collection method: not provided. Allele origin: germline. Inheritance: X-linked inheritance. Affected: yes.

Clinical Genetics DNA and cytogenetics Diagnostics Lab, Erasmus MC, Erasmus Medical Center
Classification: Benign. Review status: no assertion criteria provided. Collection method: clinical testing. Allele origin: germline. Affected: yes. Study: VKGL Data-share Consensus. Not counted in ClinVar's aggregate classification.

Genome Diagnostics Laboratory, Amsterdam University Medical Center
Classification: Benign. Review status: no assertion criteria provided. Collection method: clinical testing. Allele origin: germline. Affected: yes. Study: VKGL Data-share Consensus. Not counted in ClinVar's aggregate classification.